The following is an entry in ClinVar:

ClinVar aggregate classification (germline): Pathogenic (1 of 4 stars; one submission).

Conditions:
Peroxisome biogenesis disorder 2B (PBD2B). Identifiers: Orphanet 44, MedGen C3550234, MONDO:0008736, OMIM 202370.

Submission:

Labcorp Genetics (formerly Invitae), Labcorp
Classification: Pathogenic for Peroxisome biogenesis disorder 2B. Last evaluated: 2023-07-07. Review status: criteria provided, single submitter. Criteria: Invitae Variant Classification Sherloc (09022015). Collection method: clinical testing. Allele origin: germline.
Comment: This sequence change creates a premature translational stop signal (p.Lys28Ilefs*21) in the PEX5 gene. It is expected to result in an absent or disrupted protein product. Loss-of-function variants in PEX5 are known to be pathogenic (PMID: 18712838, 21031596). This variant is not present in population databases (gnomAD no frequency). This variant has not been reported in the literature in individuals affected with PEX5-related conditions. Algorithms developed to predict the effect of sequence changes on RNA splicing suggest that this variant may disrupt the consensus splice site. For these reasons, this variant has been classified as Pathogenic.

Literature cited by the submitters: PubMed 18712838; PubMed 21031596.

NM_001351132.2(PEX5):c.82_83insT (p.Lys28fs)

Gene: PEX5 (peroxisomal biogenesis factor 5; plus strand). Cytogenetic location: 12p13.31.
Variant type: Insertion.
Coding change: c.82_83insT on transcript NM_001351132.2 (MANE Select); coding-DNA positions 82 to 83, T inserted.
Protein change: p.Lys28fs; shifts the reading frame from lysine 28.
Molecular consequence: frameshift variant.
Genome position: GRCh38 VCF-style: chr12-7190459-A-AT. GRCh37 (hg19) VCF-style: chr12-7343055-A-AT.
Other names: c.82_83insT, p.Lys28fs (NM_000319.5, NM_001131023.2, NM_001131024.2 and 22 more transcripts); short protein forms K28fs.
Identifiers: ClinVar variation 2736808 (VCV002736808.3), dbSNP rs2539799335, ClinGen allele CA2697559085.